The following is an entry in ClinVar:

ClinVar aggregate classification (germline): Uncertain significance (1 of 4 stars; one submission).

Submission:

Labcorp Genetics (formerly Invitae), Labcorp
Classification: Uncertain significance. Last evaluated: 2024-10-03. Review status: criteria provided, single submitter. Criteria: Invitae Variant Classification Sherloc (09022015). Collection method: clinical testing. Allele origin: germline.
Comment: This sequence change replaces proline, which is neutral and non-polar, with leucine, which is neutral and non-polar, at codon 1534 of the COL11A2 protein (p.Pro1534Leu). This variant is not present in population databases (gnomAD no frequency). This variant has not been reported in the literature in individuals affected with COL11A2-related conditions. Invitae Evidence Modeling of protein sequence and biophysical properties (such as structural, functional, and spatial information, amino acid conservation, physicochemical variation, residue mobility, and thermodynamic stability) indicates that this missense variant is not expected to disrupt COL11A2 protein function with a negative predictive value of 95%. In summary, the available evidence is currently insufficient to determine the role of this variant in disease. Therefore, it has been classified as a Variant of Uncertain Significance.

NM_080680.3(COL11A2):c.4601C>T (p.Pro1534Leu)

Gene: COL11A2 (collagen type XI alpha 2 chain; minus strand). Cytogenetic location: 6p21.32.
Variant type: single nucleotide variant.
Coding change: c.4601C>T on transcript NM_080680.3 (MANE Select); coding-DNA position 4601, C replaced by T.
Protein change: p.Pro1534Leu; replaces proline 1534 with leucine.
Molecular consequence: missense variant.
Genome position (GRCh38, 1-based): chr6:33,165,698, G>A on the plus strand (C>T on the coding strand, the complement: COL11A2 is on the minus strand). VCF-style: chr6-33165698-G-A. GRCh37 (hg19) VCF-style: chr6-33133475-G-A.
Other names: c.4421C>T, p.Pro1474Leu (NM_001424108.1); c.3755C>T, p.Pro1252Leu (NM_001424109.1); c.3575C>T, p.Pro1192Leu (NM_001424110.1, NM_001424111.1); c.2555C>T, p.Pro852Leu (NM_001424112.1); c.4280C>T, p.Pro1427Leu (NM_080679.3); c.4343C>T, p.Pro1448Leu (NM_080681.3); short protein forms P1474L, P1534L, P1192L, P1448L, P852L, P1252L, P1427L.
Identifiers: ClinVar variation 3635240 (VCV003635240.2).